The following is an entry in ClinVar:

NM_020843.4(SCAPER):c.366A>C (p.Glu122Asp)

Gene: SCAPER (S-phase cyclin A associated protein in the ER; minus strand). Cytogenetic location: 15q24.3.
Variant type: single nucleotide variant.
Coding change: c.366A>C on transcript NM_020843.4 (MANE Select); coding-DNA position 366, A replaced by C.
Protein change: p.Glu122Asp; replaces glutamic acid 122 with aspartic acid.
Molecular consequence: missense variant. On other transcripts: 5 prime UTR variant (4), non-coding transcript variant (1).
Genome position (GRCh38, 1-based): chr15:76,841,761, T>G on the plus strand (A>C on the coding strand, the complement: SCAPER is on the minus strand). VCF-style: chr15-76841761-T-G. GRCh37 (hg19) VCF-style: chr15-77134102-T-G.
Other names: c.-532A>C (NM_001145923.2); c.366A>C, p.Glu122Asp (NM_001353009.2); c.-37A>C (NM_001353010.2, NM_001353011.2, NM_001353012.2); short protein forms E122D.
Identifiers: ClinVar variation 4995048 (VCV004995048.1).

ClinVar aggregate classification (germline): Uncertain significance (1 of 4 stars; one submission).

Conditions:
SCAPER-related disorder. Also called: SCAPER-related condition.

Submission:

PreventionGenetics, part of Exact Sciences
Classification: Uncertain significance for SCAPER-related condition. Last evaluated: 2026-06-21. Review status: criteria provided, single submitter. Criteria: ACMG Guidelines, 2015. Collection method: clinical testing. Allele origin: germline.
Comment: The SCAPER c.366A>C variant is predicted to result in the amino acid substitution p.Glu122Asp. To our knowledge, this variant has not been reported in the literature or in a large population database (gnomAD), indicating this variant is rare. At this time, the clinical significance of this variant is uncertain due to the absence of conclusive functional and genetic evidence.